The following is an entry in ClinVar:

NM_000046.5(ARSB):c.11G>T (p.Arg4Leu)

Genes: ARSB (arylsulfatase B; minus strand), LOC129994126 (ATAC-STARR-seq lymphoblastoid silent region 16127; plus strand). Cytogenetic location: 5q14.1.
Variant type: single nucleotide variant.
Coding change: c.11G>T on transcript NM_000046.5 (MANE Select); coding-DNA position 11, G replaced by T.
Protein change: p.Arg4Leu; replaces arginine 4 with leucine.
Molecular consequence: missense variant.
Genome position (GRCh38, 1-based): chr5:78,985,238, C>A on the plus strand (G>T on the coding strand, the complement: ARSB is on the minus strand). VCF-style: chr5-78985238-C-A. GRCh37 (hg19) VCF-style: chr5-78281061-C-A.
Other names: c.11G>T, p.Arg4Leu (NM_198709.3); short protein forms R4L.
Identifiers: ClinVar variation 1998393 (VCV001998393.4), dbSNP rs2530672980, ClinGen allele CA360197294.

ClinVar aggregate classification (germline): Uncertain significance (1 of 4 stars; one submission).

Conditions:
Mucopolysaccharidosis type 6 (MPS6). Also called: MPS 6; Maroteaux Lamy syndrome; N-ACETYLGALACTOSAMINE-4-SULFATASE DEFICIENCY; MPS VI; ARSB DEFICIENCY; ARYLSULFATASE B DEFICIENCY. Identifiers: Orphanet 583, MedGen C0026709, MONDO:0009661, OMIM 253200.

Submission:

Labcorp Genetics (formerly Invitae), Labcorp
Classification: Uncertain significance for Mucopolysaccharidosis type 6. Last evaluated: 2022-05-25. Review status: criteria provided, single submitter. Criteria: Invitae Variant Classification Sherloc (09022015). Collection method: clinical testing. Allele origin: germline.
Comment: In summary, the available evidence is currently insufficient to determine the role of this variant in disease. Therefore, it has been classified as a Variant of Uncertain Significance. Advanced modeling of protein sequence and biophysical properties (such as structural, functional, and spatial information, amino acid conservation, physicochemical variation, residue mobility, and thermodynamic stability) performed at Invitae indicates that this missense variant is not expected to disrupt ARSB protein function. This variant has not been reported in the literature in individuals affected with ARSB-related conditions. This variant is not present in population databases (gnomAD no frequency). This sequence change replaces arginine, which is basic and polar, with leucine, which is neutral and non-polar, at codon 4 of the ARSB protein (p.Arg4Leu).